The following is an entry in ClinVar:

ClinVar aggregate classification (germline): Pathogenic. Review status: criteria provided, single submitter (1 of 4 stars). 2 submissions from 1 submitter: Pathogenic (2). Last evaluated 2024-03-14.

Conditions:
GTP cyclohydrolase I deficiency. Identifiers: MedGen C0268467, MONDO:0100184.
Dystonia 5 (DRD). Also called: DYSTONIA, PROGRESSIVE, WITH DIURNAL VARIATION; DYSTONIA-PARKINSONISM WITH DIURNAL FLUCTUATION; GTP Cyclohydrolase 1-Deficient Dopa-Responsive Dystonia; Dystonia, DOPA-responsive, with or without hyperphenylalaninemia; DYT-GCH1. Identifiers: Orphanet 98808, MedGen C1851920, MONDO:0007495, OMIM 128230.

Submissions (2):

Labcorp Genetics (formerly Invitae), Labcorp
Classification: Pathogenic for GTP cyclohydrolase I deficiency; Dystonia 5. Last evaluated: 2024-03-14. Review status: criteria provided, single submitter. Criteria: Invitae Variant Classification Sherloc (09022015). Collection method: clinical testing. Allele origin: germline.
Comment: This sequence change creates a premature translational stop signal (p.Thr94Aspfs*30) in the GCH1 gene. It is expected to result in an absent or disrupted protein product. Loss-of-function variants in GCH1 are known to be pathogenic (PMID: 9667588, 19332422, 19491146, 25557619). This variant is not present in population databases (gnomAD no frequency). This variant has not been reported in the literature in individuals affected with GCH1-related conditions. ClinVar contains an entry for this variant (Variation ID: 465759). For these reasons, this variant has been classified as Pathogenic.

Labcorp Genetics (formerly Invitae), Labcorp
Classification: Pathogenic for Dystonia 5. Last evaluated: 2017-03-16. Review status: criteria provided, single submitter. Criteria: Invitae Variant Classification Sherloc (09022015). Collection method: clinical testing. Allele origin: germline.
Comment: This sequence change inserts 1 nucleotide in exon 1 of the GCH1 mRNA (c.278dupA), causing a frameshift at codon 94. This creates a premature translational stop signal (p.Thr94Aspfs*30) and is expected to result in an absent or disrupted protein product. While this particular variant has not been reported in the literature, loss of function variants in GCH1 are known to be pathogenic (PMID: 19491146). For these reasons, this variant has been classified as Pathogenic.

Literature cited by the submitters: PubMed 9667588; PubMed 19332422; PubMed 19491146; PubMed 25557619.

NM_000161.3(GCH1):c.278dup (p.Thr94fs)

Gene: GCH1 (GTP cyclohydrolase 1; minus strand). Cytogenetic location: 14q22.2.
Variant type: Duplication.
Coding change: c.278dup on transcript NM_000161.3 (MANE Select); coding-DNA position 278, one base duplicated (A; older notation c.278dupA).
Protein change: p.Thr94fs; shifts the reading frame from threonine 94.
Molecular consequence: frameshift variant.
Genome position (GRCh38, 1-based): chr14:54,902,386, T duplicated on the plus strand (A on the coding strand, the reverse complement: GCH1 is on the minus strand); the first of 2 consecutive T bases (chr14:54,902,386-54,902,387); duplicating either gives the same sequence. VCF-style (leftmost placement, unchanged base first): chr14-54902385-C-CT. GRCh37 (hg19) VCF-style: chr14-55369103-C-CT.
Other names: c.278dupA (NM_000161.2); c.278dup, p.Thr94fs (NM_001024024.2, NM_001024070.2, NM_001024071.2); short protein forms T94fs.
Identifiers: ClinVar variation 465759 (VCV000465759.7), dbSNP rs1555362835, ClinGen allele CA658658256.